The following is an entry in ClinVar:

ClinVar aggregate classification (germline): Uncertain significance. Review status: criteria provided, multiple submitters, no conflicts (2 of 4 stars). 2 submissions from 2 submitters: Uncertain significance (2). Last evaluated 2024-10-24.

Submissions (2):

Labcorp Genetics (formerly Invitae), Labcorp
Classification: Uncertain significance. Last evaluated: 2024-10-24. Review status: criteria provided, single submitter. Criteria: Invitae Variant Classification Sherloc (09022015). Collection method: clinical testing. Allele origin: germline.
Comment: This variant, c.177_179del, results in the deletion of 1 amino acid(s) of the FDX2 protein (p.Glu59del), but otherwise preserves the integrity of the reading frame. This variant is present in population databases (rs757795455, gnomAD 0.03%). This variant has not been reported in the literature in individuals affected with FDX2-related conditions. ClinVar contains an entry for this variant (Variation ID: 1423272). Experimental studies and prediction algorithms are not available or were not evaluated, and the functional significance of this variant is currently unknown. In summary, the available evidence is currently insufficient to determine the role of this variant in disease. Therefore, it has been classified as a Variant of Uncertain Significance.

GeneDx
Classification: Uncertain significance. Last evaluated: 2022-11-07. Review status: criteria provided, single submitter. Criteria: GeneDx Variant Classification Process June 2021. Collection method: clinical testing. Allele origin: germline. Affected: yes.
Comment: In-frame deletion of 1 amino acids in a non-repeat region; In silico analysis supports that this variant does not alter protein structure/function; Has not been previously published as pathogenic or benign to our knowledge

NM_001397406.1(FDX2):c.165GGA[1] (p.Glu56del)

Genes: FDX2 (ferredoxin 2; minus strand), FDX2-ZGLP1 (FDX2-ZGLP1 readthrough; minus strand), LOC130063486 (ATAC-STARR-seq lymphoblastoid silent region 10064; plus strand). Cytogenetic location: 19p13.2.
Variant type: Microsatellite.
Coding change: c.165GGA[1] on transcript NM_001397406.1 (MANE Select); one copy of the 3-base unit GGA starting at c.165; the reference has two copies in a row; one copy, 3 bases deleted.
Protein change: p.Glu56del; deletes glutamic acid 56.
Molecular consequence: inframe deletion. On other transcripts: non-coding transcript variant (2).
Genome position (GRCh38, 1-based): chr19:10,315,735-10,315,737, TCC deleted on the plus strand (GGA on the coding strand, the reverse complement: FDX2 is on the minus strand); deleting any 3 consecutive bases within chr19:10,315,735-10,315,742 gives the same sequence; the position shown is the placement nearest the transcript's 3' end. VCF-style (leftmost placement, unchanged base first): chr19-10315734-GTCC-G. GRCh37 (hg19) VCF-style: chr19-10426410-GTCC-G.
Other names: c.177_179del (NM_001031734.3); short protein forms E56del.
Identifiers: ClinVar variation 1423272 (VCV001423272.7), dbSNP rs757795455, ClinGen allele CA9191304.
Genomic context (GRCh38, chr19:10,315,734, plus strand): 5'-AGGAATGGGGGACTTGGCCCCCTGCACTCACACGTCCCCGGGCCGCTCCGGGCCGCCCGC[GTCC>G]TCCTCTCCAGCCGGGCGCGAGCCTGGAAAACACGGTTCGGTGAGCGGCTGCGCCGAGCCC-3'